The following is an entry in ClinVar:

ClinVar aggregate classification (germline): Likely benign. Review status: criteria provided, multiple submitters, no conflicts (2 of 4 stars). 4 submissions from 4 submitters: Likely benign (4). Last evaluated 2026-02-10.

Conditions:
FLNC-related disorder. Also called: FLNC-related disorders; FLNC-related condition.
Myofibrillar myopathy 5. Also called: FILAMINOPATHY, AUTOSOMAL DOMINANT; Filaminopathy (type). Identifiers: Orphanet 171445, MedGen C1836050, MONDO:0012289, OMIM 609524.
Hypertrophic cardiomyopathy 26. Also called: Cardiomyopathy, familial hypertrophic, 26. Identifiers: Orphanet 75249, MedGen C4310749, MONDO:0014883, OMIM 617047.
Distal myopathy with posterior leg and anterior hand involvement. Also called: WILLIAMS DISTAL MYOPATHY. Identifiers: Orphanet 63273, MedGen C3279722, MONDO:0013550, OMIM 614065.
Cardiovascular phenotype. Identifiers: MedGen CN230736.

Allele frequency attached by ClinVar (database versions not stated): gnomAD 0.00002; TOPMed 0.00002; ESP Exome Variant Server 0.00008.
gnomAD v4.1: 79 of 1,614,068 alleles (0.0049%); highest among the groups gnomAD compares: East Asian, 0.053%; no homozygotes.

Submissions (4):

PreventionGenetics, part of Exact Sciences
Classification: Likely benign for FLNC-related condition. Last evaluated: 2026-02-10. Review status: criteria provided, single submitter. Criteria: ACMG Guidelines, 2015. Collection method: clinical testing. Allele origin: germline.
Comment: This variant is classified as likely benign based on ACMG/AMP sequence variant interpretation guidelines (Richards et al. 2015 PMID: 25741868, with internal and published modifications).

Labcorp Genetics (formerly Invitae), Labcorp
Classification: Likely benign for Distal myopathy with posterior leg and anterior hand involvement; Myofibrillar myopathy 5; Hypertrophic cardiomyopathy 26. Last evaluated: 2026-01-19. Review status: criteria provided, single submitter. Criteria: Invitae Variant Classification Sherloc (09022015). Collection method: clinical testing. Allele origin: germline.

Blueprint Genetics
Classification: Likely benign. Last evaluated: 2023-02-20. Review status: criteria provided, single submitter. Criteria: ACMG Guidelines, 2015. Collection method: clinical testing. Allele origin: germline.

Ambry Genetics
Classification: Likely benign for Cardiovascular phenotype. Last evaluated: 2019-10-17. Review status: criteria provided, single submitter. Criteria: Ambry Variant Classification Scheme 2023. Collection method: clinical testing. Allele origin: germline.

NM_001458.5(FLNC):c.1617G>A (p.Pro539=)

Gene: FLNC (filamin C; plus strand). Cytogenetic location: 7q32.1.
Variant type: single nucleotide variant.
Coding change: c.1617G>A on transcript NM_001458.5 (MANE Select); coding-DNA position 1617, G replaced by A.
Protein change: p.Pro539=; no amino-acid change (proline 539 retained).
Molecular consequence: synonymous variant.
Genome position (GRCh38, 1-based): chr7:128,840,615, G>A. VCF-style: chr7-128840615-G-A. GRCh37 (hg19) VCF-style: chr7-128480669-G-A.
Other names: c.1617G>A, p.Pro539= (NM_001127487.2).
Identifiers: ClinVar variation 471984 (VCV000471984.15), dbSNP rs369222964, ClinGen allele CA4474413.